The following is an entry in ClinVar:

NM_001089.3(ABCA3):c.2658_2674dup (p.Arg892fs)

Gene: ABCA3 (ATP binding cassette subfamily A member 3; minus strand). Cytogenetic location: 16p13.3.
Variant type: Duplication.
Coding change: c.2658_2674dup on transcript NM_001089.3 (MANE Select); coding-DNA positions 2658 to 2674, 17 bases duplicated (CCTCATCGAGGAGGAGC).
Protein change: p.Arg892fs; shifts the reading frame from arginine 892.
Molecular consequence: frameshift variant.
Genome position (GRCh38, 1-based): chr16:2,289,460-2,289,476, GCTCCTCCTCGATGAGG duplicated on the plus strand (CCTCATCGAGGAGGAGC on the coding strand, the reverse complement: ABCA3 is on the minus strand); duplicating any 17 consecutive bases within chr16:2,289,460-2,289,481 gives the same sequence; the c. name uses the placement nearest the transcript's 3' end. VCF-style (leftmost placement, unchanged base first): chr16-2289459-C-CGCTCCTCCTCGATGAGG. GRCh37 (hg19) VCF-style: chr16-2339460-C-CGCTCCTCCTCGATGAGG.
Other names: short protein forms R892fs.
Identifiers: ClinVar variation 5015802 (VCV005015802.1).

ClinVar aggregate classification (germline): Pathogenic (1 of 4 stars; one submission).

Conditions:
Interstitial lung disease due to ABCA3 deficiency. Also called: PULMONARY ALVEOLAR PROTEINOSIS, CONGENITAL, 3. Identifiers: Orphanet 440402, MedGen C1970456, MONDO:0012582, OMIM 610921.

Submission:

Myriad Genetics, Inc.
Classification: Pathogenic for Interstitial lung disease due to ABCA3 deficiency. Last evaluated: 2026-04-16. Review status: criteria provided, single submitter. Criteria: Myriad Autosomal Dominant, Autosomal Recessive and X-Linked Classification Criteria (2023). Collection method: clinical testing. Allele origin: unknown.
Comment: NM_001089.2(ABCA3):c.2658_2674dup17(R892Pfs*28) is expected to be pathogenic in the context of surfactant deficiency, ABCA3-related. This variant is predicted to lead to an abnormal or absent protein product due to the creation of a premature termination codon in ABCA3, a gene where loss-of-function variants are known to be pathogenic. Please note: this variant was assessed in the context of healthy population screening.